The following is an entry in ClinVar:

NM_000287.4(PEX6):c.1098_1099del (p.Glu366fs)

Gene: PEX6 (peroxisomal biogenesis factor 6; minus strand). Cytogenetic location: 6p21.1.
Variant type: Microsatellite.
Coding change: c.1098_1099del on transcript NM_000287.4 (MANE Select); coding-DNA positions 1098 to 1099, 2 bases deleted (GA; older notation c.1098_1099delGA).
Protein change: p.Glu366fs; shifts the reading frame from glutamic acid 366.
Molecular consequence: frameshift variant. On other transcripts: non-coding transcript variant (1).
Genome position (GRCh38, 1-based): chr6:42,974,034-42,974,035, TC deleted on the plus strand (GA on the coding strand, the reverse complement: PEX6 is on the minus strand); deleting any 2 consecutive bases within chr6:42,974,034-42,974,038 gives the same sequence; the c. name uses the placement nearest the transcript's 3' end. VCF-style (leftmost placement, unchanged base first): chr6-42974033-ATC-A. GRCh37 (hg19) VCF-style: chr6-42941771-ATC-A.
Other names: c.834_835del, p.Glu278fs (NM_001316313.2); c.1098_1099del (NM_000287.3); short protein forms E278fs, E366fs.
Identifiers: ClinVar variation 1413170 (VCV001413170.7), dbSNP rs1189098622, ClinGen allele CA824877173.

ClinVar aggregate classification (germline): Pathogenic/Likely pathogenic. Review status: criteria provided, multiple submitters, no conflicts (2 of 4 stars). 2 submissions from 2 submitters: Pathogenic (1); Likely pathogenic (1). Last evaluated 2024-09-23.

Conditions:
Zellweger spectrum disorders (ZS). Also called: Zellweger Spectrum Disorder; Zellweger Spectrum; Zellweger syndrome; Zellweger Spectrum Disorder (ZSD). Identifiers: Orphanet 912, MedGen C0043459, MONDO:0019609.
Peroxisome biogenesis disorder. Identifiers: Orphanet 79189, MedGen C1832200, MONDO:0019234. Disease mechanism: loss of function.

Submissions (2):

Natera, Inc.
Classification: Likely pathogenic for Zellweger syndrome. Last evaluated: 2024-09-23. Review status: criteria provided, single submitter. Criteria: Natera Variant Classification Schema (03/2026). Collection method: clinical testing. Allele origin: germline.
Comment: The c.1098_1099del variant in PEX6 is a frameshift variant predicted to shift the reading frame beginning at codon 366 and leads to a stop codon 18 codons downstream. This variant is expected to result in nonsense mediated decay, truncation, or a dysfunctional protein product. This variant is rare in the general population with a frequency below the threshold expected for the associated phenotype(s). Given the available evidence, this variant is classified as Likely Pathogenic.

Labcorp Genetics (formerly Invitae), Labcorp
Classification: Pathogenic for Peroxisome biogenesis disorder. Last evaluated: 2021-10-17. Review status: criteria provided, single submitter. Criteria: Invitae Variant Classification Sherloc (09022015). Collection method: clinical testing. Allele origin: germline.
Comment: This sequence change creates a premature translational stop signal (p.Glu366Aspfs*18) in the PEX6 gene. It is expected to result in an absent or disrupted protein product. Loss-of-function variants in PEX6 are known to be pathogenic (PMID: 8670792, 19877282, 21031596). This variant is not present in population databases (ExAC no frequency). This variant has not been reported in the literature in individuals affected with PEX6-related conditions. For these reasons, this variant has been classified as Pathogenic.

Literature cited by the submitters: PubMed 8670792 (cited by Labcorp Genetics (formerly Invitae), Labcorp); PubMed 19877282 (cited by Labcorp Genetics (formerly Invitae), Labcorp); PubMed 21031596 (cited by Labcorp Genetics (formerly Invitae), Labcorp).